The following is an entry in ClinVar:

NM_018060.4(IARS2):c.2554A>G (p.Ile852Val)

Gene: IARS2 (isoleucyl-tRNA synthetase 2, mitochondrial; plus strand). Cytogenetic location: 1q41.
Variant type: single nucleotide variant.
Coding change: c.2554A>G on transcript NM_018060.4 (MANE Select); coding-DNA position 2554, A replaced by G.
Protein change: p.Ile852Val; replaces isoleucine 852 with valine.
Molecular consequence: missense variant.
Genome position (GRCh38, 1-based): chr1:220,141,942, A>G. VCF-style: chr1-220141942-A-G. GRCh37 (hg19) VCF-style: chr1-220315284-A-G.
Other names: short protein forms I852V.
Identifiers: ClinVar variation 2110037 (VCV002110037.4), dbSNP rs2528582645, ClinGen allele CA344617393.

ClinVar aggregate classification (germline): Uncertain significance (1 of 4 stars; one submission).

Allele frequency attached by ClinVar (database versions not stated): gnomAD exomes below 0.00001.
gnomAD v4.1: 2 of 1,613,302 alleles (0.00012%); highest among the groups gnomAD compares: Non-Finnish European, 0.00017%; no homozygotes.

Submission:

Labcorp Genetics (formerly Invitae), Labcorp
Classification: Uncertain significance. Last evaluated: 2022-03-28. Review status: criteria provided, single submitter. Criteria: Invitae Variant Classification Sherloc (09022015). Collection method: clinical testing. Allele origin: germline.
Comment: In summary, the available evidence is currently insufficient to determine the role of this variant in disease. Therefore, it has been classified as a Variant of Uncertain Significance. Algorithms developed to predict the effect of missense changes on protein structure and function output the following: SIFT: "Tolerated"; PolyPhen-2: "Benign"; Align-GVGD: "Class C0". The valine amino acid residue is found in multiple mammalian species, which suggests that this missense change does not adversely affect protein function. This variant has not been reported in the literature in individuals affected with IARS2-related conditions. This variant is not present in population databases (gnomAD no frequency). This sequence change replaces isoleucine, which is neutral and non-polar, with valine, which is neutral and non-polar, at codon 852 of the IARS2 protein (p.Ile852Val).